The following is an entry in ClinVar:

NM_001035.3(RYR2):c.13913+4A>C

Gene: RYR2 (ryanodine receptor 2; plus strand). Cytogenetic location: 1q43.
Variant type: single nucleotide variant.
Coding change: c.13913+4A>C on transcript NM_001035.3 (MANE Select); 4 bases into the intron after coding-DNA position 13913, A replaced by C.
Molecular consequence: intron variant.
Genome position (GRCh38, 1-based): chr1:237,794,001, A>C. VCF-style: chr1-237794001-A-C. GRCh37 (hg19) VCF-style: chr1-237957301-A-C.
Identifiers: ClinVar variation 3073845 (VCV003073845.1), dbSNP rs1658778018, ClinGen allele CA2487486151.

ClinVar aggregate classification (germline): Uncertain significance (1 of 4 stars; one submission).

Conditions:
Catecholaminergic polymorphic ventricular tachycardia (CVPT). Also called: Catecholamine-induced polymorphic ventricular tachycardia. Identifiers: Orphanet 3286, MedGen C5574922, MONDO:0017990.

Submission:

All of Us Research Program, National Institutes of Health
Classification: Uncertain significance for Catecholaminergic polymorphic ventricular tachycardia. Last evaluated: 2023-10-06. Review status: criteria provided, single submitter. Criteria: ACMG Guidelines, 2015. Collection method: clinical testing. Allele origin: germline. Inheritance: Autosomal dominant inheritance. Observed: 1 variant allele, 1 heterozygote.
Comment: This variant causes an A to C nucleotide substitution at the +4 position of intron 95 of the RYR2 gene. To our knowledge, functional studies have not been reported for this variant. This variant has not been reported in individuals affected with RYR2-related disorders in the literature. This variant has not been identified in the general population by the Genome Aggregation Database (gnomAD). The available evidence is insufficient to determine the role of this variant in disease conclusively. Therefore, this variant is classified as a Variant of Uncertain Significance.

This study involves interpretation of variants in research participants for the purpose of population health screening. Participant phenotype was not available at the time of variant classification. Additional details can be found in publication PMID: 35346344, PMCID: PMC8962531